The following is an entry in ClinVar:

NM_000709.4(BCKDHA):c.807C>T (p.Tyr269=)

Gene: BCKDHA (branched chain keto acid dehydrogenase E1 subunit alpha; plus strand). Cytogenetic location: 19q13.2.
Variant type: single nucleotide variant.
Coding change: c.807C>T on transcript NM_000709.4 (MANE Select); coding-DNA position 807, C replaced by T.
Protein change: p.Tyr269=; no amino-acid change (tyrosine 269 retained).
Molecular consequence: synonymous variant.
Genome position (GRCh38, 1-based): chr19:41,422,324, C>T. VCF-style: chr19-41422324-C-T. GRCh37 (hg19) VCF-style: chr19-41928229-C-T.
Other names: c.807C>T, p.Tyr269= (NM_001164783.2).
Identifiers: ClinVar variation 386706 (VCV000386706.36), dbSNP rs775754845, ClinGen allele CA9461262.

ClinVar aggregate classification (germline): Likely benign. Review status: criteria provided, multiple submitters, no conflicts (2 of 4 stars). 4 submissions from 4 submitters: Likely benign (3). 1 of the submissions does not count toward it. Last evaluated 2026-01-13.

Conditions:
BCKDHA-related disorder. Also called: BCKDHA-related condition.
Maple syrup urine disease (MSUD). Identifiers: Orphanet 511, MedGen C0024776, MeSH D008375, MONDO:0009563. Disease mechanism: loss of function.

Allele frequency attached by ClinVar (database versions not stated): gnomAD 0.00003; gnomAD exomes 0.00005; TOPMed 0.00005.
gnomAD v4.1: 74 of 1,614,046 alleles (0.0046%); highest among the groups gnomAD compares: East Asian, 0.016%; no homozygotes.

Submissions (4):

Labcorp Genetics (formerly Invitae), Labcorp
Classification: Likely benign for Maple syrup urine disease. Last evaluated: 2026-01-13. Review status: criteria provided, single submitter. Criteria: Invitae Variant Classification Sherloc (09022015). Collection method: clinical testing. Allele origin: germline.

CeGaT Center for Human Genetics Tuebingen
Classification: Likely benign. Last evaluated: 2022-09-01. Review status: criteria provided, single submitter. Criteria: CeGaT Center For Human Genetics Tuebingen Variant Classification Criteria Version 2. Collection method: clinical testing. Allele origin: germline. Affected: yes. Observed: 1 variant allele.
Comment: BCKDHA: BP4, BP7

GeneDx
Classification: Likely benign. Last evaluated: 2016-06-23. Review status: criteria provided, single submitter. Criteria: GeneDx Variant Classification (06012015). Collection method: clinical testing. Allele origin: germline. Affected: yes.
Comment: This variant is considered likely benign or benign based on one or more of the following criteria: it is a conservative change, it occurs at a poorly conserved position in the protein, it is predicted to be benign by multiple in silico algorithms, and/or has population frequency not consistent with disease.

PreventionGenetics, part of Exact Sciences
Classification: Likely benign for BCKDHA-related condition. Last evaluated: 2019-04-08. Review status: no assertion criteria provided. Collection method: clinical testing. Allele origin: germline. Not counted in ClinVar's aggregate classification.
Comment: This variant is classified as likely benign based on ACMG/AMP sequence variant interpretation guidelines (Richards et al. 2015 PMID: 25741868, with internal and published modifications).